The following is an entry in ClinVar:

ClinVar aggregate classification (germline): Uncertain significance. Review status: criteria provided, multiple submitters, no conflicts (2 of 4 stars). 2 submissions from 2 submitters: Uncertain significance (2). Last evaluated 2024-08-07.

Conditions:
Inborn genetic diseases. Identifiers: MedGen C0950123, MeSH D030342.

gnomAD v4.1: 8 of 1,613,574 alleles (0.0005%); highest among the groups gnomAD compares: Non-Finnish European, 0.00068%; no homozygotes.

Submissions (2):

Blueprint Genetics
Classification: Uncertain significance. Last evaluated: 2024-08-07. Review status: criteria provided, single submitter. Criteria: ACMG Guidelines, 2015. Collection method: clinical testing. Allele origin: germline.

Ambry Genetics
Classification: Uncertain significance for Inborn genetic diseases. Last evaluated: 2021-03-15. Review status: criteria provided, single submitter. Criteria: Ambry Variant Classification Scheme 2023. Collection method: clinical testing. Allele origin: germline.
Comment: The p.D1954V variant (also known as c.5861A>T), located in coding exon 26 of the SCN9A gene, results from an A to T substitution at nucleotide position 5861. The aspartic acid at codon 1954 is replaced by valine, an amino acid with highly dissimilar properties. This amino acid position is not well conserved in available vertebrate species. In addition, the in silico prediction for this alteration is inconclusive. Since supporting evidence is limited at this time, the clinical significance of this alteration remains unclear.

NM_001365536.1(SCN9A):c.5894A>T (p.Asp1965Val)

Genes: SCN1A-AS1 (SCN1A and SCN9A antisense RNA 1; plus strand), SCN9A (sodium voltage-gated channel alpha subunit 9; minus strand). Cytogenetic location: 2q24.3.
Variant type: single nucleotide variant.
Coding change: c.5894A>T on transcript NM_001365536.1 (MANE Select); coding-DNA position 5894, A replaced by T.
Protein change: p.Asp1965Val; replaces aspartic acid 1965 with valine.
Molecular consequence: missense variant.
Genome position (GRCh38, 1-based): chr2:166,198,745, T>A on the plus strand (A>T on the coding strand, the complement: SCN9A is on the minus strand). VCF-style: chr2-166198745-T-A. GRCh37 (hg19) VCF-style: chr2-167055255-T-A.
Other names: c.5861A>T, p.Asp1954Val (NM_002977.4); short protein forms D1954V, D1965V.
Identifiers: ClinVar variation 1750148 (VCV001750148.3), dbSNP rs2468873605, ClinGen allele CA349051177.